The following is an entry in ClinVar:

ClinVar aggregate classification (germline): Uncertain significance. Review status: criteria provided, multiple submitters, no conflicts (2 of 4 stars). 2 submissions from 2 submitters: Uncertain significance (2). Last evaluated 2025-03-07.

Conditions:
Inborn genetic diseases. Identifiers: MedGen C0950123, MeSH D030342.
Joubert syndrome 21 (JBTS21). Identifiers: MedGen C3810212, MONDO:0014288, OMIM 615636.

Allele frequency attached by ClinVar (database versions not stated): gnomAD exomes 0.00001 and 0.00002; ExAC 0.00002; TOPMed 0.00002; gnomAD 0.00003.
gnomAD v4.1: 18 of 1,377,778 alleles (0.0013%); highest among the groups gnomAD compares: South Asian, 0.0093%; no homozygotes.

Submissions (2):

Ambry Genetics
Classification: Uncertain significance for Inborn genetic diseases. Last evaluated: 2025-03-07. Review status: criteria provided, single submitter. Criteria: Ambry Variant Classification Scheme 2023. Collection method: clinical testing. Allele origin: germline.

Labcorp Genetics (formerly Invitae), Labcorp
Classification: Uncertain significance for Joubert syndrome 21. Last evaluated: 2022-11-01. Review status: criteria provided, single submitter. Criteria: Invitae Variant Classification Sherloc (09022015). Collection method: clinical testing. Allele origin: germline.
Comment: This sequence change replaces arginine, which is basic and polar, with cysteine, which is neutral and slightly polar, at codon 133 of the CSPP1 protein (p.Arg133Cys). This variant is present in population databases (rs374169543, gnomAD 0.007%). This variant has not been reported in the literature in individuals affected with CSPP1-related conditions. ClinVar contains an entry for this variant (Variation ID: 1508514). Algorithms developed to predict the effect of missense changes on protein structure and function are either unavailable or do not agree on the potential impact of this missense change (SIFT: "Deleterious"; PolyPhen-2: "Possibly Damaging"; Align-GVGD: "Class C0"). In summary, the available evidence is currently insufficient to determine the role of this variant in disease. Therefore, it has been classified as a Variant of Uncertain Significance.

NM_001382391.1(CSPP1):c.289C>T (p.Arg97Cys)

Gene: CSPP1 (centrosome and spindle pole associated protein 1; plus strand). Cytogenetic location: 8q13.1.
Variant type: single nucleotide variant.
Coding change: c.289C>T on transcript NM_001382391.1 (MANE Select); coding-DNA position 289, C replaced by T.
Protein change: p.Arg97Cys; replaces arginine 97 with cysteine.
Molecular consequence: missense variant. On other transcripts: 5 prime UTR variant (1).
Genome position (GRCh38, 1-based): chr8:67,086,096, C>T. VCF-style: chr8-67086096-C-T. GRCh37 (hg19) VCF-style: chr8-67998331-C-T.
Other names: c.-486C>T (NM_001291339.2); c.289C>T, p.Arg97Cys (NM_001363131.2, NM_001363132.2, NM_001363133.2); c.397C>T, p.Arg133Cys (NM_001364869.1, NM_001364870.1, NM_024790.7); short protein forms R97C, R133C.
Identifiers: ClinVar variation 1508514 (VCV001508514.5), dbSNP rs374169543, ClinGen allele CA4770189.